The following is an entry in ClinVar:

NM_024675.4(PALB2):c.122C>T (p.Ala41Val)

Gene: PALB2 (partner and localizer of BRCA2; minus strand). Cytogenetic location: 16p12.2.
Variant type: single nucleotide variant.
Coding change: c.122C>T on transcript NM_024675.4 (MANE Select); coding-DNA position 122, C replaced by T.
Protein change: p.Ala41Val; replaces alanine 41 with valine.
Molecular consequence: missense variant.
Genome position (GRCh38, 1-based): chr16:23,637,939, G>A on the plus strand (C>T on the coding strand, the complement: PALB2 is on the minus strand). VCF-style: chr16-23637939-G-A. GRCh37 (hg19) VCF-style: chr16-23649260-G-A.
Other names: short protein forms A41V.
Identifiers: ClinVar variation 818650 (VCV000818650.15), dbSNP rs1597101507, ClinGen allele CA395139404.

ClinVar aggregate classification (germline): Uncertain significance. Review status: criteria provided, multiple submitters, no conflicts (2 of 4 stars). 2 submissions from 2 submitters: Uncertain significance (2). Last evaluated 2025-01-17.

Conditions:
Hereditary cancer-predisposing syndrome. Also called: Tumor predisposition; Hereditary neoplastic syndrome; Neoplastic Syndromes, Hereditary; Hereditary Cancer Syndrome. Identifiers: Orphanet 140162, MedGen C0027672, MeSH D009386, MONDO:0015356.
Familial cancer of breast. Also called: hereditary breast carcinoma; Hereditary breast cancer; BREAST CANCER, FAMILIAL. Identifiers: Orphanet 227535, MedGen C0346153, MONDO:0016419, OMIM 114480. Disease mechanism: loss of function.

Submissions (2):

Labcorp Genetics (formerly Invitae), Labcorp
Classification: Uncertain significance for Familial cancer of breast. Last evaluated: 2025-01-17. Review status: criteria provided, single submitter. Criteria: Invitae Variant Classification Sherloc (09022015). Collection method: clinical testing. Allele origin: germline.
Comment: This sequence change replaces alanine, which is neutral and non-polar, with valine, which is neutral and non-polar, at codon 41 of the PALB2 protein (p.Ala41Val). This variant is not present in population databases (gnomAD no frequency). This variant has not been reported in the literature in individuals affected with PALB2-related conditions. ClinVar contains an entry for this variant (Variation ID: 818650). An algorithm developed to predict the effect of missense changes on protein structure and function (PolyPhen-2) suggests that this variant is likely to be disruptive. In summary, the available evidence is currently insufficient to determine the role of this variant in disease. Therefore, it has been classified as a Variant of Uncertain Significance.

Ambry Genetics
Classification: Uncertain significance for Hereditary cancer-predisposing syndrome. Last evaluated: 2019-07-16. Review status: criteria provided, single submitter. Criteria: Ambry Variant Classification Scheme 2023. Collection method: clinical testing. Allele origin: germline.
Comment: The p.A41V variant (also known as c.122C>T), located in coding exon 3 of the PALB2 gene, results from a C to T substitution at nucleotide position 122. The alanine at codon 41 is replaced by valine, an amino acid with similar properties. This amino acid position is highly conserved in available vertebrate species. In addition, the in silico prediction for this alteration is inconclusive. Since supporting evidence is limited at this time, the clinical significance of this alteration remains unclear.